The following is an entry in ClinVar:

ClinVar aggregate classification (germline): Uncertain significance (1 of 4 stars; one submission).

Conditions:
Arrhythmogenic cardiomyopathy with wooly hair and keratoderma. Also called: Dilated cardiomyopathy with woolly hair and keratoderma; PALMOPLANTAR KERATODERMA WITH LEFT VENTRICULAR CARDIOMYOPATHY AND WOOLLY HAIR; Carvajal syndrome; Arrhythmogenic cardiomyopathy with woolly hair and keratoderma. Identifiers: Orphanet 65282, MedGen C1854063, MONDO:0011581, OMIM 605676.
Arrhythmogenic right ventricular dysplasia 8 (ARVD8). Also called: Arrhythmogenic Right Ventricular Dysplasia/Cardiomyopathy 8; ARRHYTHMOGENIC RIGHT VENTRICULAR DYSPLASIA, FAMILIAL, 8; ARRHYTHMOGENIC RIGHT VENTRICULAR CARDIOMYOPATHY 8. Identifiers: MedGen C1843896, MONDO:0011831, OMIM 607450.

Allele frequency attached by ClinVar (database versions not stated): gnomAD exomes below 0.00001; ExAC 0.00001; gnomAD 0.00001; 1000 Genomes Project 30x 0.00016; 1000 Genomes Project 0.00020.
gnomAD v4.1: 7 of 1,614,120 alleles (0.00043%); highest among the groups gnomAD compares: Non-Finnish European, 0.00059%; no homozygotes.

Submission:

Labcorp Genetics (formerly Invitae), Labcorp
Classification: Uncertain significance for Arrhythmogenic cardiomyopathy with wooly hair and keratoderma; Arrhythmogenic right ventricular dysplasia 8. Last evaluated: 2022-07-06. Review status: criteria provided, single submitter. Criteria: Invitae Variant Classification Sherloc (09022015). Collection method: clinical testing. Allele origin: germline.
Comment: In summary, the available evidence is currently insufficient to determine the role of this variant in disease. Therefore, it has been classified as a Variant of Uncertain Significance. Algorithms developed to predict the effect of missense changes on protein structure and function are either unavailable or do not agree on the potential impact of this missense change (SIFT: "Deleterious"; PolyPhen-2: "Probably Damaging"; Align-GVGD: "Class C15"). ClinVar contains an entry for this variant (Variation ID: 1403271). This variant has not been reported in the literature in individuals affected with DSP-related conditions. This variant is present in population databases (rs539763516, gnomAD 0.0009%). This sequence change replaces glutamic acid, which is acidic and polar, with lysine, which is basic and polar, at codon 2245 of the DSP protein (p.Glu2245Lys).

NM_004415.4(DSP):c.6733G>A (p.Glu2245Lys)

Gene: DSP (desmoplakin; plus strand). Cytogenetic location: 6p24.3.
Variant type: single nucleotide variant.
Coding change: c.6733G>A on transcript NM_004415.4 (MANE Select); coding-DNA position 6733, G replaced by A.
Protein change: p.Glu2245Lys; replaces glutamic acid 2245 with lysine.
Molecular consequence: missense variant.
Genome position (GRCh38, 1-based): chr6:7,583,995, G>A. VCF-style: chr6-7583995-G-A. GRCh37 (hg19) VCF-style: chr6-7584228-G-A.
Other names: c.4936G>A, p.Glu1646Lys (NM_001008844.3); c.5404G>A, p.Glu1802Lys (NM_001319034.2); short protein forms E2245K, E1646K, E1802K.
Identifiers: ClinVar variation 1403271 (VCV001403271.8), dbSNP rs539763516, ClinGen allele CA048329.